The following is an entry in ClinVar:

NM_000240.4(MAOA):c.635A>G (p.Asn212Ser)

Gene: MAOA (monoamine oxidase A; plus strand). Cytogenetic location: Xp11.3.
Variant type: single nucleotide variant.
Coding change: c.635A>G on transcript NM_000240.4 (MANE Select); coding-DNA position 635, A replaced by G.
Protein change: p.Asn212Ser; replaces asparagine 212 with serine.
Molecular consequence: missense variant.
Genome position (GRCh38, 1-based): chrX:43,728,304, A>G. VCF-style: chrX-43728304-A-G. GRCh37 (hg19) VCF-style: chrX-43587551-A-G.
Other names: c.236A>G, p.Asn79Ser (NM_001270458.2); short protein forms N79S, N212S.
Identifiers: ClinVar variation 2407239 (VCV002407239.5), dbSNP rs780043965, ClinGen allele CA10390804.
Genomic context (GRCh38, chrX:43,728,304, plus strand): 5'-TGTGGTTCTTGTGGTATGTGAAGCAGTGCGGGGGCACCACTCGGATATTCTCTGTCACCA[A>G]TGGTGGCCAGGTATGGTGTGTATGTGTCTGTTCTGAAACAAGAGCTTCATCTGTGATTTT-3'
Protein context (NP_000231.1, residues 202-222): GGTTRIFSVT[Asn212Ser]GGQERKFVGG

ClinVar aggregate classification (germline): Conflicting classifications of pathogenicity. Review status: criteria provided, conflicting classifications (1 of 4 stars). 2 submissions from 2 submitters: Uncertain significance (1); Likely benign (1). Last evaluated 2023-11-24.

Conditions:
Inborn genetic diseases. Identifiers: MedGen C0950123, MeSH D030342.
Brunner syndrome (BRNRS). Identifiers: Orphanet 3057, MedGen C0796275, MONDO:0010379, OMIM 300615.

Allele frequency attached by ClinVar (database versions not stated): gnomAD 0.00001; ExAC 0.00003; gnomAD exomes 0.00003; TOPMed 0.00003.

Submissions (2):

Labcorp Genetics (formerly Invitae), Labcorp
Classification: Uncertain significance for Brunner syndrome. Last evaluated: 2023-11-24. Review status: criteria provided, single submitter. Criteria: Invitae Variant Classification Sherloc (09022015). Collection method: clinical testing. Allele origin: germline.
Comment: This sequence change replaces asparagine, which is neutral and polar, with serine, which is neutral and polar, at codon 212 of the MAOA protein (p.Asn212Ser). This variant is present in population databases (rs780043965, gnomAD 0.02%). This variant has not been reported in the literature in individuals affected with MAOA-related conditions. ClinVar contains an entry for this variant (Variation ID: 2407239). Advanced modeling of protein sequence and biophysical properties (such as structural, functional, and spatial information, amino acid conservation, physicochemical variation, residue mobility, and thermodynamic stability) has been performed at Invitae for this missense variant, however the output from this modeling did not meet the statistical confidence thresholds required to predict the impact of this variant on MAOA protein function. In summary, the available evidence is currently insufficient to determine the role of this variant in disease. Therefore, it has been classified as a Variant of Uncertain Significance.

Ambry Genetics
Classification: Likely benign for Inborn genetic diseases. Last evaluated: 2022-12-01. Review status: criteria provided, single submitter. Criteria: Ambry Variant Classification Scheme 2023. Collection method: clinical testing. Allele origin: germline.